The following is an entry in ClinVar:

NM_031229.4(RBCK1):c.758G>C (p.Arg253Pro)

Gene: RBCK1 (RANBP2-type and C3HC4-type zinc finger containing 1; plus strand). Cytogenetic location: 20p13.
Variant type: single nucleotide variant.
Coding change: c.758G>C on transcript NM_031229.4 (MANE Select); coding-DNA position 758, G replaced by C.
Protein change: p.Arg253Pro; replaces arginine 253 with proline.
Molecular consequence: missense variant. On other transcripts: intron variant (2), non-coding transcript variant (1).
Genome position (GRCh38, 1-based): chr20:420,872, G>C. VCF-style: chr20-420872-G-C. GRCh37 (hg19) VCF-style: chr20-401516-G-C.
Other names: c.407+1141G>C (NM_001323956.2, NM_001323958.2); c.809G>C, p.Arg270Pro (NM_001410770.1); c.632G>C, p.Arg211Pro (NM_006462.6); short protein forms R211P, R253P, R270P.
Identifiers: ClinVar variation 2719015 (VCV002719015.3), dbSNP rs1447216509, ClinGen allele CA407927214.

ClinVar aggregate classification (germline): Uncertain significance (1 of 4 stars; one submission).

Conditions:
Polyglucosan body myopathy type 1 (PGBM1). Also called: Polyglucosan body myopathy 1 with or without immunodeficiency; POLYGLUCOSAN BODY MYOPATHY WITHOUT IMMUNODEFICIENCY. Identifiers: Orphanet 329173, Orphanet 397937, MedGen C4014605, MONDO:0014389, OMIM 615895.

Submission:

Labcorp Genetics (formerly Invitae), Labcorp
Classification: Uncertain significance for Polyglucosan body myopathy type 1. Last evaluated: 2025-09-02. Review status: criteria provided, single submitter. Criteria: Invitae Variant Classification Sherloc (09022015). Collection method: clinical testing. Allele origin: germline.
Comment: This sequence change replaces arginine, which is basic and polar, with proline, which is neutral and non-polar, at codon 253 of the RBCK1 protein (p.Arg253Pro). This variant is not present in population databases (gnomAD no frequency). This variant has not been reported in the literature in individuals affected with RBCK1-related conditions. ClinVar contains an entry for this variant (Variation ID: 2719015). An algorithm developed to predict the effect of missense changes on protein structure and function (PolyPhen-2) suggests that this variant is likely to be tolerated. In summary, the available evidence is currently insufficient to determine the role of this variant in disease. Therefore, it has been classified as a Variant of Uncertain Significance.